The following is an entry in ClinVar:

NM_001845.6(COL4A1):c.2870-10T>G

Gene: COL4A1 (collagen type IV alpha 1 chain; minus strand). Cytogenetic location: 13q34.
Variant type: single nucleotide variant.
Coding change: c.2870-10T>G on transcript NM_001845.6 (MANE Select); 10 bases into the intron before coding-DNA position 2870, T replaced by G.
Molecular consequence: intron variant.
Genome position (GRCh38, 1-based): chr13:110,176,734, A>C on the plus strand (T>G on the coding strand, the complement: COL4A1 is on the minus strand). VCF-style: chr13-110176734-A-C. GRCh37 (hg19) VCF-style: chr13-110829081-A-C.
Identifiers: ClinVar variation 1520600 (VCV001520600.8), dbSNP rs1877906599, ClinGen allele CA2118730619.

ClinVar aggregate classification (germline): Uncertain significance (1 of 4 stars; one submission).

Allele frequency attached by ClinVar (database versions not stated): TOPMed below 0.00001.

Submission:

Labcorp Genetics (formerly Invitae), Labcorp
Classification: Uncertain significance. Last evaluated: 2022-02-05. Review status: criteria provided, single submitter. Criteria: Invitae Variant Classification Sherloc (09022015). Collection method: clinical testing. Allele origin: germline.
Comment: In summary, the available evidence is currently insufficient to determine the role of this variant in disease. Therefore, it has been classified as a Variant of Uncertain Significance. Algorithms developed to predict the effect of sequence changes on RNA splicing suggest that this variant may disrupt the consensus splice site. This variant has not been reported in the literature in individuals affected with COL4A1-related conditions. This variant is not present in population databases (gnomAD no frequency). This sequence change falls in intron 34 of the COL4A1 gene. It does not directly change the encoded amino acid sequence of the COL4A1 protein.